The following is an entry in ClinVar:

ClinVar aggregate classification (germline): Uncertain significance (1 of 4 stars; one submission).

Submission:

Labcorp Genetics (formerly Invitae), Labcorp
Classification: Uncertain significance. Last evaluated: 2025-09-17. Review status: criteria provided, single submitter. Criteria: Invitae Variant Classification Sherloc (09022015). Collection method: clinical testing. Allele origin: germline.
Comment: This sequence change replaces leucine, which is neutral and non-polar, with methionine, which is neutral and non-polar, at codon 18 of the COX15 protein (p.Leu18Met). This variant is not present in population databases (gnomAD no frequency). This variant has not been reported in the literature in individuals affected with COX15-related conditions. An algorithm developed to predict the effect of missense changes on protein structure and function (PolyPhen-2) suggests that this variant is likely to be disruptive. In summary, the available evidence is currently insufficient to determine the role of this variant in disease. Therefore, it has been classified as a Variant of Uncertain Significance.

NM_078470.6(COX15):c.52C>A (p.Leu18Met)

Genes: COX15 (cytochrome c oxidase assembly factor COX15; minus strand), LOC130004506 (ATAC-STARR-seq lymphoblastoid active region 3872; plus strand). Cytogenetic location: 10q24.2.
Variant type: single nucleotide variant.
Coding change: c.52C>A on transcript NM_078470.6 (MANE Select); coding-DNA position 52, C replaced by A.
Protein change: p.Leu18Met; replaces leucine 18 with methionine.
Molecular consequence: missense variant. On other transcripts: 5 prime UTR variant (1), non-coding transcript variant (1).
Genome position (GRCh38, 1-based): chr10:99,731,998, G>T on the plus strand (C>A on the coding strand, the complement: COX15 is on the minus strand). VCF-style: chr10-99731998-G-T. GRCh37 (hg19) VCF-style: chr10-101491755-G-T.
Other names: c.52C>A, p.Leu18Met (NM_001320974.2, NM_001320975.2, NM_001372024.1 and 5 more transcripts); c.-403C>A (NM_001320976.2); short protein forms L18M.
Identifiers: ClinVar variation 4711194 (VCV004711194.1).